The following is an entry in ClinVar:

ClinVar aggregate classification (germline): Conflicting classifications of pathogenicity. Review status: criteria provided, conflicting classifications (1 of 4 stars). 10 submissions from 10 submitters: Uncertain significance (1); Benign (1); Likely benign (6). 2 of the submissions do not count toward it. Last evaluated 2026-01-23.

Conditions:
MYH11-related disorder. Also called: MYH11-related condition.
Familial thoracic aortic aneurysm and aortic dissection (TAAD). Also called: Thoracic aortic aneurysms and dissections. Identifiers: Orphanet 91387, MedGen C4707243, MONDO:0019625.
Aortic aneurysm, familial thoracic 4 (AAT4). Also called: AORTIC ANEURYSM/AORTIC DISSECTION AND PATENT DUCTUS ARTERIOSUS. Identifiers: MedGen C1851504, MONDO:0007568, OMIM 132900.

Allele frequency attached by ClinVar (database versions not stated): gnomAD 0.00003 and 0.00004; TOPMed 0.00007; gnomAD exomes 0.00009 and 0.00016; ExAC 0.00016.
gnomAD v4.1: 146 of 1,614,062 alleles (0.009%); highest among the groups gnomAD compares: Middle Eastern, 0.066%; no homozygotes.

Submissions (10):

Labcorp Genetics (formerly Invitae), Labcorp
Classification: Likely benign for Aortic aneurysm, familial thoracic 4. Last evaluated: 2026-01-23. Review status: criteria provided, single submitter. Criteria: Invitae Variant Classification Sherloc (09022015). Collection method: clinical testing. Allele origin: germline.

PreventionGenetics, part of Exact Sciences
Classification: Likely benign for MYH11-related condition. Last evaluated: 2025-11-20. Review status: criteria provided, single submitter. Criteria: ACMG Guidelines, 2015. Collection method: clinical testing. Allele origin: germline.
Comment: This variant is classified as likely benign based on ACMG/AMP sequence variant interpretation guidelines (Richards et al. 2015 PMID: 25741868, with internal and published modifications).

Blueprint Genetics
Classification: Likely benign. Last evaluated: 2024-01-31. Review status: criteria provided, single submitter. Criteria: ACMG Guidelines, 2015. Collection method: clinical testing. Allele origin: germline.

CeGaT Center for Human Genetics Tuebingen
Classification: Uncertain significance. Last evaluated: 2024-01-01. Review status: criteria provided, single submitter. Criteria: CeGaT Center For Human Genetics Tuebingen Variant Classification Criteria Version 2. Collection method: clinical testing. Allele origin: germline. Affected: yes. Observed: 1 variant allele.
Comment: MYH11: PM2, BP4

CHEO Genetics Diagnostic Laboratory, Children's Hospital of Eastern Ontario
Classification: Likely benign for Familial thoracic aortic aneurysm and aortic dissection. Last evaluated: 2019-12-09. Review status: criteria provided, single submitter. Criteria: ACMG Guidelines, 2015. Collection method: clinical testing. Allele origin: germline.

ARUP Laboratories, Molecular Genetics and Genomics, ARUP Laboratories
Classification: Likely benign for Aortic aneurysm, familial thoracic 4. Last evaluated: 2019-10-15. Review status: criteria provided, single submitter. Criteria: ARUP Molecular Germline Variant Investigation Process. Collection method: clinical testing. Allele origin: germline.

GeneDx
Classification: Likely benign. Last evaluated: 2017-12-07. Review status: criteria provided, single submitter. Criteria: GeneDx Variant Classification (06012015). Collection method: clinical testing. Allele origin: germline. Affected: yes.
Comment: This variant is considered likely benign or benign based on one or more of the following criteria: it is a conservative change, it occurs at a poorly conserved position in the protein, it is predicted to be benign by multiple in silico algorithms, and/or has population frequency not consistent with disease.

Women's Health and Genetics/Laboratory Corporation of America, LabCorp
Classification: Benign. Last evaluated: 2017-10-02. Review status: criteria provided, single submitter. Criteria: LabCorp Variant Classification Summary - May 2015. Collection method: clinical testing. Allele origin: germline.
Comment: Variant summary: The MYH11 c.1596+7G>A variant involves the alteration of a non-conserved intronic nucleotide. One in silico tool predicts a benign outcome for this variant. 3/5 splice prediction tools predict no significant impact on normal splicing. However, these predictions have yet to be confirmed by functional studies. This variant was found in 39/245582 control chromosomes at a frequency of 0.0001588, which is approximately 127 times the estimated maximal expected allele frequency of a pathogenic MYH11 variant (0.0000013), suggesting this variant is likely a benign polymorphism. In addition, a clinical diagnostic laboratory/reputable database classified this variant as likely benign. The variant of interest has not, to our knowledge, been reported in affected individuals via publications nor evaluated for functional impact by in vivo/vitro studies. Taken together, this variant is classified as benign.

Genome Diagnostics Laboratory, Amsterdam University Medical Center
Classification: Likely benign. Review status: no assertion criteria provided. Collection method: clinical testing. Allele origin: germline. Affected: yes. Study: VKGL Data-share Consensus. Not counted in ClinVar's aggregate classification.

Genome Diagnostics Laboratory, University Medical Center Utrecht
Classification: Likely benign. Review status: no assertion criteria provided. Collection method: clinical testing. Allele origin: germline. Affected: yes. Study: VKGL Data-share Consensus. Not counted in ClinVar's aggregate classification.

NM_002474.3(MYH11):c.1575+7G>A

Gene: MYH11 (myosin heavy chain 11; minus strand). Cytogenetic location: 16p13.11.
Variant type: single nucleotide variant.
Coding change: c.1575+7G>A on transcript NM_002474.3 (MANE Select); 7 bases into the intron after coding-DNA position 1575, G replaced by A.
Molecular consequence: intron variant.
Genome position (GRCh38, 1-based): chr16:15,757,820, C>T on the plus strand (G>A on the coding strand, the complement: MYH11 is on the minus strand). VCF-style: chr16-15757820-C-T. GRCh37 (hg19) VCF-style: chr16-15851677-C-T.
Other names: c.1575+7G>A (NM_022844.3); c.1596+7G>A (NM_001040114.2, NM_001040113.2).
Identifiers: ClinVar variation 381023 (VCV000381023.48), dbSNP rs754750176, ClinGen allele CA7922585.